The following is an entry in ClinVar:

ClinVar aggregate classification (germline): Conflicting classifications of pathogenicity. Review status: criteria provided, conflicting classifications (1 of 4 stars). 4 submissions from 4 submitters: Uncertain significance (3); Likely benign (1). Last evaluated 2025-12-10.

Conditions:
Inborn genetic diseases. Identifiers: MedGen C0950123, MeSH D030342.
Progressive microcephaly-seizures-cortical blindness-developmental delay syndrome. Also called: Seizures, cortical blindness, and microcephaly syndrome. Identifiers: Orphanet 477814, MedGen C5567650, MONDO:0014714, OMIM 616632.
Autosomal dominant nonsyndromic hearing loss 1. Also called: DEAFNESS, AUTOSOMAL DOMINANT 1, WITH OR WITHOUT THROMBOCYTOPENIA; KONIGSMARK SYNDROME. Identifiers: Orphanet 90635, MedGen C1852282, MONDO:0007424, OMIM 124900.

Allele frequency attached by ClinVar (database versions not stated): ExAC below 0.00001.
gnomAD v4.1: 143 of 1,518,288 alleles (0.0094%); highest among the groups gnomAD compares: Non-Finnish European, 0.012%; 1 homozygote.

Submissions (4):

Labcorp Genetics (formerly Invitae), Labcorp
Classification: Uncertain significance for Progressive microcephaly-seizures-cortical blindness-developmental delay syndrome; Autosomal dominant nonsyndromic hearing loss 1. Last evaluated: 2025-12-10. Review status: criteria provided, single submitter. Criteria: Invitae Variant Classification Sherloc (09022015). Collection method: clinical testing. Allele origin: germline.
Comment: This sequence change replaces proline, which is neutral and non-polar, with glutamine, which is neutral and polar, at codon 677 of the DIAPH1 protein (p.Pro677Gln). This variant is present in population databases (rs761912885, gnomAD 0.01%). This variant has not been reported in the literature in individuals affected with DIAPH1-related conditions. ClinVar contains an entry for this variant (Variation ID: 850652). Experimental studies and prediction algorithms are not available or were not evaluated, and the functional significance of this variant is currently unknown. In summary, the available evidence is currently insufficient to determine the role of this variant in disease. Therefore, it has been classified as a Variant of Uncertain Significance.

Women's Health and Genetics/Laboratory Corporation of America, LabCorp
Classification: Uncertain significance. Last evaluated: 2024-12-10. Review status: criteria provided, single submitter. Criteria: LabCorp Variant Classification Summary - May 2015. Collection method: clinical testing. Allele origin: germline.
Comment: Variant summary: DIAPH1 c.2030C>A (p.Pro677Gln) results in a non-conservative amino acid change in the encoded protein sequence. Four of five in-silico tools predict a damaging effect of the variant on protein function. The variant allele was found at a frequency of 7.9e-05 in 140054 control chromosomes. This frequency is not significantly higher than estimated for a pathogenic variant in DIAPH1 causing Seizures, Cortical Blindness, And Microcephaly Syndrome, allowing no conclusion about variant significance. To our knowledge, no occurrence of c.2030C>A in individuals affected with Seizures, Cortical Blindness, And Microcephaly Syndrome and no experimental evidence demonstrating its impact on protein function have been reported. ClinVar contains an entry for this variant (Variation ID: 850652). Based on the evidence outlined above, the variant was classified as uncertain significance.

ARUP Laboratories, Molecular Genetics and Genomics, ARUP Laboratories
Classification: Uncertain significance. Last evaluated: 2024-05-09. Review status: criteria provided, single submitter. Criteria: ARUP Molecular Germline Variant Investigation Process 2024. Collection method: clinical testing. Allele origin: germline.

Ambry Genetics
Classification: Likely benign for Inborn genetic diseases. Last evaluated: 2023-02-27. Review status: criteria provided, single submitter. Criteria: Ambry Variant Classification Scheme 2023. Collection method: clinical testing. Allele origin: germline.

NM_005219.5(DIAPH1):c.2030C>A (p.Pro677Gln)

Gene: DIAPH1 (diaphanous related formin 1; minus strand). Cytogenetic location: 5q31.3.
Variant type: single nucleotide variant.
Coding change: c.2030C>A on transcript NM_005219.5 (MANE Select); coding-DNA position 2030, C replaced by A.
Protein change: p.Pro677Gln; replaces proline 677 with glutamine.
Molecular consequence: missense variant.
Genome position (GRCh38, 1-based): chr5:141,573,820, G>T on the plus strand (C>A on the coding strand, the complement: DIAPH1 is on the minus strand). VCF-style: chr5-141573820-G-T. GRCh37 (hg19) VCF-style: chr5-140953387-G-T.
Other names: c.2003C>A, p.Pro668Gln (NM_001079812.3); c.2030C>A, p.Pro677Gln (NM_001314007.2); short protein forms P668Q, P677Q.
Identifiers: ClinVar variation 850652 (VCV000850652.11), dbSNP rs761912885, ClinGen allele CA3479174.